The following is an entry in ClinVar:

ClinVar aggregate classification (germline): Pathogenic (1 of 4 stars; one submission).

Submission:

Labcorp Genetics (formerly Invitae), Labcorp
Classification: Pathogenic. Last evaluated: 2020-01-15. Review status: criteria provided, single submitter. Criteria: Invitae Variant Classification Sherloc (09022015). Collection method: clinical testing. Allele origin: germline.
Comment: For these reasons, this variant has been classified as Pathogenic. Loss-of-function variants in NTHL1 are known to be pathogenic (PMID: 25938944, 26559593). This variant has not been reported in the literature in individuals with NTHL1-related conditions. This variant is not present in population databases (ExAC no frequency). This sequence change creates a premature translational stop signal (p.Arg63Glufs*7) in the NTHL1 gene. It is expected to result in an absent or disrupted protein product.

Literature cited by the submitters: PubMed 25938944; PubMed 26559593.

NM_002528.7(NTHL1):c.161dup (p.Arg55fs)

Gene: NTHL1 (nth like DNA glycosylase 1; minus strand). Cytogenetic location: 16p13.3.
Variant type: Duplication.
Coding change: c.161dup on transcript NM_002528.7 (MANE Select); coding-DNA position 161, one base duplicated (A; older notation c.161dupA).
Protein change: p.Arg55fs; shifts the reading frame from arginine 55.
Molecular consequence: frameshift variant. On other transcripts: 5 prime UTR variant (1).
Genome position (GRCh38, 1-based): chr16:2,046,321, T duplicated on the plus strand (A on the coding strand, the reverse complement: NTHL1 is on the minus strand). VCF-style (leftmost placement, unchanged base first): chr16-2046320-C-CT. GRCh37 (hg19) VCF-style: chr16-2096321-C-CT.
Other names: c.161dup, p.Arg55fs (NM_001318193.2); c.-18dup (NM_001318194.2); short protein forms R55fs.
Identifiers: ClinVar variation 1075792 (VCV001075792.7), dbSNP rs2150947218, ClinGen allele CA2499223263.